The following is an entry in ClinVar:

NM_178161.3(PTF1A):c.851C>A (p.Thr284Asn)

Gene: PTF1A (pancreas associated transcription factor 1a; plus strand). Cytogenetic location: 10p12.2.
Variant type: single nucleotide variant.
Coding change: c.851C>A on transcript NM_178161.3 (MANE Select); coding-DNA position 851, C replaced by A.
Protein change: p.Thr284Asn; replaces threonine 284 with asparagine.
Molecular consequence: missense variant.
Genome position (GRCh38, 1-based): chr10:23,193,770, C>A. VCF-style: chr10-23193770-C-A. GRCh37 (hg19) VCF-style: chr10-23482699-C-A.
Other names: short protein forms T284N.
Identifiers: ClinVar variation 735525 (VCV000735525.7), dbSNP rs144865627, ClinGen allele CA5438648.

ClinVar aggregate classification (germline): Likely benign. Review status: criteria provided, multiple submitters, no conflicts (2 of 4 stars). 2 submissions from 2 submitters: Likely benign (2). Last evaluated 2025-11-12.

Conditions:
PTF1A-related disorder. Also called: PTF1A-related condition.

Allele frequency attached by ClinVar (database versions not stated): gnomAD exomes 0.00017; ExAC 0.00025; TOPMed 0.00073; gnomAD 0.00076 and 0.00081; ESP Exome Variant Server 0.00077; 1000 Genomes Project 30x 0.00078; 1000 Genomes Project 0.00080.
gnomAD v4.1: 207 of 1,613,838 alleles (0.013%); highest among the groups gnomAD compares: African/African-American, 0.27%; no homozygotes.

Submissions (2):

Labcorp Genetics (formerly Invitae), Labcorp
Classification: Likely benign. Last evaluated: 2025-11-12. Review status: criteria provided, single submitter. Criteria: Invitae Variant Classification Sherloc (09022015). Collection method: clinical testing. Allele origin: germline.

PreventionGenetics, part of Exact Sciences
Classification: Likely benign for PTF1A-related condition. Last evaluated: 2024-12-02. Review status: criteria provided, single submitter. Criteria: ACMG Guidelines, 2015. Collection method: clinical testing. Allele origin: germline.
Comment: This variant is classified as likely benign based on ACMG/AMP sequence variant interpretation guidelines (Richards et al. 2015 PMID: 25741868, with internal and published modifications).